The following is an entry in ClinVar:

NM_000123.4(ERCC5):c.2713del (p.Lys904_Ile905insTer)

Genes: BIVM-ERCC5 (BIVM-ERCC5 readthrough; plus strand), ERCC5 (ERCC excision repair 5, endonuclease; plus strand). Cytogenetic location: 13q33.1.
Variant type: Deletion.
Coding change: c.2713del on transcript NM_000123.4 (MANE Select); coding-DNA position 2713, one base deleted (A; older notation c.2713delA).
Protein change: p.Lys904_Ile905insTer.
Molecular consequence: nonsense.
Genome position (GRCh38, 1-based): chr13:102,872,232, A deleted. VCF-style (leftmost placement, unchanged base first): chr13-102872231-GA-G. GRCh37 (hg19) VCF-style: chr13-103524581-GA-G.
Other names: c.4075del, p.Lys1358_Ile1359insTer (NM_001204425.2).
Identifiers: ClinVar variation 4770876 (VCV004770876.1).

ClinVar aggregate classification (germline): Pathogenic (1 of 4 stars; one submission).

Submission:

Labcorp Genetics (formerly Invitae), Labcorp
Classification: Pathogenic. Last evaluated: 2025-12-09. Review status: criteria provided, single submitter. Criteria: Invitae Variant Classification Sherloc (09022015). Collection method: clinical testing. Allele origin: germline.
Comment: This sequence change creates a premature translational stop signal (p.Ile905*) in the ERCC5 gene. It is expected to result in an absent or disrupted protein product. Loss-of-function variants in ERCC5 are known to be pathogenic (PMID: 23370536, 24700531, 30919937). This variant is not present in population databases (gnomAD no frequency). This variant has not been reported in the literature in individuals affected with ERCC5-related conditions. For these reasons, this variant has been classified as Pathogenic.

Literature cited by the submitters: PubMed 23370536; PubMed 24700531; PubMed 30919937.